The following is an entry in ClinVar:

NM_000404.4(GLB1):c.3G>A (p.Met1Ile)

Genes: GLB1 (galactosidase beta 1; minus strand), TMPPE (transmembrane protein with metallophosphoesterase domain; minus strand), LOC129936434 (ATAC-STARR-seq lymphoblastoid silent region 14182; plus strand). Cytogenetic location: 3p22.3.
Variant type: single nucleotide variant.
Coding change: c.3G>A on transcript NM_000404.4 (MANE Select); coding-DNA position 3, G replaced by A.
Protein change: p.Met1Ile; changes the start codon (methionine 1).
Molecular consequence: missense variant, initiator codon variant. On other transcripts: 5 prime UTR variant (2).
Genome position (GRCh38, 1-based): chr3:33,097,083, C>T on the plus strand (G>A on the coding strand, the complement: GLB1 is on the minus strand). VCF-style: chr3-33097083-C-T. GRCh37 (hg19) VCF-style: chr3-33138575-C-T.
Other names: p.Met1Ile; c.3G>A, p.Met1Ile (NM_001135602.3, NM_001317040.2, NM_001393580.1); c.-473G>A (NM_001039770.3); c.-369G>A (NM_001136238.2); short protein forms M1I.
Identifiers: ClinVar variation 1895462 (VCV001895462.6), dbSNP rs780109160, ClinGen allele CA2300148.

ClinVar aggregate classification (germline): Likely pathogenic. Review status: criteria provided, multiple submitters, no conflicts (2 of 4 stars). 2 submissions from 2 submitters: Likely pathogenic (2). Last evaluated 2025-03-04.

Conditions:
Infantile GM1 gangliosidosis. Also called: Gangliosidosis, Generalized GM1, Type 1; GM1-gangliosidosis, type I; Gangliosidosis, generalized GM1, infantile form; GLB1 deficiency; GM1 gangliosidosis type 1. Identifiers: Orphanet 354, Orphanet 79255, MedGen C0268271, MONDO:0009260, OMIM 230500.
GLB1-related disorder. Also called: GLB1-related disorders. Identifiers: MedGen CN377807.

Allele frequency attached by ClinVar (database versions not stated): gnomAD exomes below 0.00001; ExAC 0.00001.
gnomAD v4.1: 1 of 1,612,514 alleles (0.000062%); highest among the groups gnomAD compares: South Asian, 0.0011%; no homozygotes.

Submissions (2):

3billion
Classification: Likely pathogenic for GLB1-related disorder. Last evaluated: 2025-03-04. Review status: criteria provided, single submitter. Criteria: ACMG Guidelines, 2015. Collection method: clinical testing. Allele origin: germline. Affected: yes.
Comment: The variant is observed at an extremely low frequency in the gnomAD v4.1.0 dataset (total allele frequency: <0.001%). Predicted Consequence/Location: Start-lost: reinitiation of translation may occur at a downstream alternate start codon but still result in a loss or disruption of normal protein function as there have been pathogenic variants reported upstream of the alternate start codon. The variant has been reported to be in trans with a pathogenic variant as either compound heterozygous or homozygous in at least one similarly affected unrelated individual (PMID: 25936995). The variant has been reported to be associated with GLB1-related disorder (ClinVar ID: VCV001895462 /PMID: 25936995). Therefore, this variant is classified as Likely pathogenic according to the recommendation of ACMG/AMP guideline.

Foundation for Research in Genetics and Endocrinology, FRIGE's Institute of Human Genetics
Classification: Likely pathogenic for Infantile GM1 gangliosidosis. Review status: criteria provided, single submitter. Criteria: ACMG Guidelines, 2015. Collection method: clinical testing. Allele origin: germline. Inheritance: Autosomal recessive inheritance. Affected: yes. Observed: 1 compound heterozygote.
Comment: The heterozygous missense variation in exon 1 of GLB1 gene that results in the amino acid substitution to Isoleucine for Methionine at codon of 1 was detected. The variant c.3G>A (p.Met1Ile) has not been reported in 1000 genome and has a MAF of 0.0004% in the gnomAD database. The insilico prediction of the variant is disease causing by MutationTaster and SIFT.

Literature cited by the submitters: PubMed 25936995 (cited by 3billion).